The following is an entry in ClinVar:

ClinVar aggregate classification (germline): Uncertain significance (1 of 4 stars; one submission).

Conditions:
Inborn genetic diseases. Identifiers: MedGen C0950123, MeSH D030342.

Submission:

Ambry Genetics
Classification: Uncertain significance for Inborn genetic diseases. Last evaluated: 2025-11-26. Review status: criteria provided, single submitter. Criteria: Ambry Variant Classification Scheme 2023. Collection method: clinical testing. Allele origin: germline.
Comment: The p.L2005R variant (also known as c.6014T>G), located in coding exon 23 of the FANCM gene, results from a T to G substitution at nucleotide position 6014. The leucine at codon 2005 is replaced by arginine, an amino acid with dissimilar properties. This amino acid position is conserved. In addition, the in silico prediction for this alteration is inconclusive. Based on the available evidence, the clinical significance of this variant remains unclear.

NM_020937.4(FANCM):c.6014T>G (p.Leu2005Arg)

Gene: FANCM (FA complementation group M; plus strand). Cytogenetic location: 14q21.2.
Variant type: single nucleotide variant.
Coding change: c.6014T>G on transcript NM_020937.4 (MANE Select); coding-DNA position 6014, T replaced by G.
Protein change: p.Leu2005Arg; replaces leucine 2005 with arginine.
Molecular consequence: missense variant.
Genome position (GRCh38, 1-based): chr14:45,199,875, T>G. VCF-style: chr14-45199875-T-G. GRCh37 (hg19) VCF-style: chr14-45669078-T-G.
Other names: c.5936T>G, p.Leu1979Arg (NM_001308133.2); short protein forms L1979R, L2005R.
Identifiers: ClinVar variation 4619613 (VCV004619613.1).